The following is an entry in ClinVar:

NM_003482.4(KMT2D):c.2260C>G (p.Pro754Ala)

Gene: KMT2D (lysine methyltransferase 2D; minus strand). Cytogenetic location: 12q13.12.
Variant type: single nucleotide variant.
Coding change: c.2260C>G on transcript NM_003482.4 (MANE Select); coding-DNA position 2260, C replaced by G.
Protein change: p.Pro754Ala; replaces proline 754 with alanine.
Molecular consequence: missense variant.
Genome position (GRCh38, 1-based): chr12:49,051,423, G>C on the plus strand (C>G on the coding strand, the complement: KMT2D is on the minus strand). VCF-style: chr12-49051423-G-C. GRCh37 (hg19) VCF-style: chr12-49445206-G-C.
Other names: short protein forms P754A.
Identifiers: ClinVar variation 3706791 (VCV003706791.2).

ClinVar aggregate classification (germline): Uncertain significance (1 of 4 stars; one submission).

Conditions:
Kabuki syndrome. Also called: Kabuki make-up syndrome; NIIKAWA-KUROKI SYNDROME. Identifiers: Orphanet 2322, MedGen C0796004, MONDO:0016512.

Submission:

Labcorp Genetics (formerly Invitae), Labcorp
Classification: Uncertain significance for Kabuki syndrome. Last evaluated: 2025-01-28. Review status: criteria provided, single submitter. Criteria: Invitae Variant Classification Sherloc (09022015). Collection method: clinical testing. Allele origin: germline.
Comment: This sequence change replaces proline, which is neutral and non-polar, with alanine, which is neutral and non-polar, at codon 754 of the KMT2D protein (p.Pro754Ala). This variant is not present in population databases (gnomAD no frequency). This variant has not been reported in the literature in individuals affected with KMT2D-related conditions. Invitae Evidence Modeling of protein sequence and biophysical properties (such as structural, functional, and spatial information, amino acid conservation, physicochemical variation, residue mobility, and thermodynamic stability) indicates that this missense variant is not expected to disrupt KMT2D protein function with a negative predictive value of 95%. In summary, the available evidence is currently insufficient to determine the role of this variant in disease. Therefore, it has been classified as a Variant of Uncertain Significance.